The following is an entry in ClinVar:

NM_000053.4(ATP7B):c.4258dup (p.Asp1420fs)

Gene: ATP7B (ATPase copper transporting beta; minus strand). Cytogenetic location: 13q14.3.
Variant type: Duplication.
Coding change: c.4258dup on transcript NM_000053.4 (MANE Select); coding-DNA position 4258, one base duplicated (G; older notation c.4258dupG).
Protein change: p.Asp1420fs; shifts the reading frame from aspartic acid 1420.
Molecular consequence: frameshift variant.
Genome position (GRCh38, 1-based): chr13:51,934,896, C duplicated on the plus strand (G on the coding strand, the reverse complement: ATP7B is on the minus strand); the first of 3 consecutive C bases (chr13:51,934,896-51,934,898); duplicating any one gives the same sequence. VCF-style (leftmost placement, unchanged base first): chr13-51934895-T-TC. GRCh37 (hg19) VCF-style: chr13-52509031-T-TC.
Other names: c.3637dup, p.Asp1213fs (NM_001005918.3); c.3925dup, p.Asp1309fs (NM_001243182.2); c.4024dup, p.Asp1342fs (NM_001330578.2); c.4006dup, p.Asp1336fs (NM_001330579.2); short protein forms D1309fs, D1213fs, D1420fs, D1342fs, D1336fs.
Identifiers: ClinVar variation 1451230 (VCV001451230.6), dbSNP rs1956866547, ClinGen allele CA2091550376.

ClinVar aggregate classification (germline): Pathogenic (1 of 4 stars; one submission).

Conditions:
Wilson disease (WND). Also called: Wilson's disease. Identifiers: Orphanet 905, MedGen C0019202, MONDO:0010200, OMIM 277900. Disease mechanism: loss of function.

Submission:

Labcorp Genetics (formerly Invitae), Labcorp
Classification: Pathogenic for Wilson disease. Last evaluated: 2021-10-31. Review status: criteria provided, single submitter. Criteria: Invitae Variant Classification Sherloc (09022015). Collection method: clinical testing. Allele origin: germline.
Comment: This variant is not present in population databases (gnomAD no frequency). For these reasons, this variant has been classified as Pathogenic. This variant disrupts a region of the ATP7B protein in which other variant(s) (p.Arg1459Glyfs*2) have been determined to be pathogenic (PMID: 26799313). This suggests that this is a clinically significant region of the protein, and that variants that disrupt it are likely to be disease-causing. This variant has not been reported in the literature in individuals affected with ATP7B-related conditions. This sequence change creates a premature translational stop signal (p.Asp1420Glyfs*29) in the ATP7B gene. While this is not anticipated to result in nonsense mediated decay, it is expected to disrupt the last 46 amino acid(s) of the ATP7B protein.

Literature cited by the submitters: PubMed 26799313.